The following is an entry in ClinVar:

ClinVar aggregate classification (germline): Likely benign (0 of 4 stars; one submission).

Conditions:
FRMPD4-related disorder. Also called: FRMPD4-related condition.

Allele frequency attached by ClinVar (database versions not stated): TOPMed 0.00002; gnomAD 0.00009; gnomAD exomes 0.00010.
gnomAD v4.1: 114 of 1,209,639 alleles (0.0094%); highest among the groups gnomAD compares: Non-Finnish European, 0.0038%; no homozygotes.

Submission:

PreventionGenetics, part of Exact Sciences
Classification: Likely benign for FRMPD4-related condition. Last evaluated: 2020-09-04. Review status: no assertion criteria provided. Collection method: clinical testing. Allele origin: germline.
Comment: This variant is classified as likely benign based on ACMG/AMP sequence variant interpretation guidelines (Richards et al. 2015 PMID: 25741868, with internal and published modifications).

NM_001368397.1(FRMPD4):c.1411G>A (p.Glu471Lys)

Gene: FRMPD4 (FERM and PDZ domain containing 4; plus strand). Cytogenetic location: Xp22.2.
Variant type: single nucleotide variant.
Coding change: c.1411G>A on transcript NM_001368397.1 (MANE Select); coding-DNA position 1411, G replaced by A.
Protein change: p.Glu471Lys; replaces glutamic acid 471 with lysine.
Molecular consequence: missense variant.
Genome position (GRCh38, 1-based): chrX:12,707,592, G>A. VCF-style: chrX-12707592-G-A. GRCh37 (hg19) VCF-style: chrX-12725711-G-A.
Other names: c.1522G>A, p.Glu508Lys (NM_001368395.3, NM_001368398.3); c.1417G>A, p.Glu473Lys (NM_001368396.3); c.1402G>A, p.Glu468Lys (NM_001368399.3); c.1291G>A, p.Glu431Lys (NM_001368400.3); c.1387G>A, p.Glu463Lys (NM_001368401.1, NM_001368402.3); c.1411G>A, p.Glu471Lys (NM_014728.3); short protein forms E431K, E463K, E468K, E471K, E473K, E508K.
Identifiers: ClinVar variation 3031732 (VCV003031732.2), dbSNP rs747574742, ClinGen allele CA10349286.